The following is an entry in ClinVar:

ClinVar aggregate classification (germline): Uncertain significance (1 of 4 stars; one submission).

Allele frequency attached by ClinVar (database versions not stated): gnomAD exomes below 0.00001.
gnomAD v4.1: 5 of 1,614,102 alleles (0.00031%); highest among the groups gnomAD compares: African/African-American, 0.0013%; no homozygotes.

Submission:

Labcorp Genetics (formerly Invitae), Labcorp
Classification: Uncertain significance. Last evaluated: 2022-09-27. Review status: criteria provided, single submitter. Criteria: Invitae Variant Classification Sherloc (09022015). Collection method: clinical testing. Allele origin: germline.
Comment: In summary, the available evidence is currently insufficient to determine the role of this variant in disease. Therefore, it has been classified as a Variant of Uncertain Significance. Advanced modeling of protein sequence and biophysical properties (such as structural, functional, and spatial information, amino acid conservation, physicochemical variation, residue mobility, and thermodynamic stability) performed at Invitae indicates that this missense variant is not expected to disrupt PRPF8 protein function. ClinVar contains an entry for this variant (Variation ID: 1009356). This variant has not been reported in the literature in individuals affected with PRPF8-related conditions. This variant is not present in population databases (gnomAD no frequency). This sequence change replaces serine, which is neutral and polar, with leucine, which is neutral and non-polar, at codon 2278 of the PRPF8 protein (p.Ser2278Leu).

NM_006445.4(PRPF8):c.6833C>T (p.Ser2278Leu)

Gene: PRPF8 (pre-mRNA processing factor 8; minus strand). Cytogenetic location: 17p13.3.
Variant type: single nucleotide variant.
Coding change: c.6833C>T on transcript NM_006445.4 (MANE Select); coding-DNA position 6833, C replaced by T.
Protein change: p.Ser2278Leu; replaces serine 2278 with leucine.
Molecular consequence: missense variant.
Genome position (GRCh38, 1-based): chr17:1,651,128, G>A on the plus strand (C>T on the coding strand, the complement: PRPF8 is on the minus strand). VCF-style: chr17-1651128-G-A. GRCh37 (hg19) VCF-style: chr17-1554422-G-A.
Other names: short protein forms S2278L.
Identifiers: ClinVar variation 1009356 (VCV001009356.5), dbSNP rs1327478855, ClinGen allele CA397563643.